The following is an entry in ClinVar:

ClinVar aggregate classification (germline): Pathogenic (1 of 4 stars; one submission).

Conditions:
Ehlers-Danlos syndrome, dermatosparaxis type. Also called: Dermatosparaxis; Ehlers-Danlos syndrome, type VII, autosomal recessive; EDS VIIC. Identifiers: Orphanet 1901, MedGen C2700425, MONDO:0009161, OMIM 225410.

Submission:

Labcorp Genetics (formerly Invitae), Labcorp
Classification: Pathogenic for Ehlers-Danlos syndrome, dermatosparaxis type. Last evaluated: 2023-08-24. Review status: criteria provided, single submitter. Criteria: Invitae Variant Classification Sherloc (09022015). Collection method: clinical testing. Allele origin: germline.
Comment: This sequence change creates a premature translational stop signal (p.Gly602Alafs*61) in the ADAMTS2 gene. It is expected to result in an absent or disrupted protein product. Loss-of-function variants in ADAMTS2 are known to be pathogenic (PMID: 10417273). This variant is not present in population databases (gnomAD no frequency). This variant has not been reported in the literature in individuals affected with ADAMTS2-related conditions. For these reasons, this variant has been classified as Pathogenic.

Literature cited by the submitters: PubMed 10417273.

NM_014244.5(ADAMTS2):c.1803_1827del (p.Gly602fs)

Gene: ADAMTS2 (ADAM metallopeptidase with thrombospondin type 1 motif 2; minus strand). Cytogenetic location: 5q35.3.
Variant type: Deletion.
Coding change: c.1803_1827del on transcript NM_014244.5 (MANE Select); coding-DNA positions 1803 to 1827, 25 bases deleted (GGGCCTTGCCTACGACTTCCAGCTC).
Protein change: p.Gly602fs; shifts the reading frame from glycine 602.
Molecular consequence: frameshift variant.
Genome position (GRCh38, 1-based): chr5:179,137,893-179,137,917, GAGCTGGAAGTCGTAGGCAAGGCCC deleted on the plus strand (GGGCCTTGCCTACGACTTCCAGCTC on the coding strand, the reverse complement: ADAMTS2 is on the minus strand); deleting any 25 consecutive bases within chr5:179,137,893-179,137,921 gives the same sequence; the c. name uses the placement nearest the transcript's 3' end. VCF-style (leftmost placement, unchanged base first): chr5-179137892-AGAGCTGGAAGTCGTAGGCAAGGCCC-A. GRCh37 (hg19) VCF-style: chr5-178564893-AGAGCTGGAAGTCGTAGGCAAGGCCC-A.
Other names: short protein forms G602fs.
Identifiers: ClinVar variation 2754968 (VCV002754968.3), dbSNP rs2480196300, ClinGen allele CA2697546599.
Genomic context (GRCh38, chr5:179,137,892, plus strand): 5'-ACTGGCGGCACTGCTCCTCGCGGAAGTCAGCCAGGGAGTCGGGGCAGTCCTGGCGGCTGC[AGAGCTGGAAGTCGTAGGCAAGGCCC>A]GAGCAGGTGCGGCCCCCGTTGGCCGGGCTGGAGGAGAAAGCAAAGGCCTTGCCGCTCCGT-3'